The following is an entry in ClinVar:

NM_006577.6(B3GNT2):c.243G>C (p.Thr81=)

Gene: B3GNT2 (UDP-GlcNAc:betaGal beta-1,3-N-acetylglucosaminyltransferase 2; plus strand). Cytogenetic location: 2p15.
Variant type: single nucleotide variant.
Coding change: c.243G>C on transcript NM_006577.6 (MANE Select); coding-DNA position 243, G replaced by C.
Protein change: p.Thr81=; no amino-acid change (threonine 81 retained).
Molecular consequence: synonymous variant.
Genome position (GRCh38, 1-based): chr2:62,222,463, G>C. VCF-style: chr2-62222463-G-C. GRCh37 (hg19) VCF-style: chr2-62449598-G-C.
Other names: c.243G>C, p.Thr81= (NM_001319075.2).
Identifiers: ClinVar variation 3053280 (VCV003053280.2), dbSNP rs530600752, ClinGen allele CA426419570.

ClinVar aggregate classification (germline): Likely benign (0 of 4 stars; one submission).

Conditions:
B3GNT2-related disorder. Also called: B3GNT2-related condition.

gnomAD v4.1: 11 of 1,614,080 alleles (0.00068%); highest among the groups gnomAD compares: Middle Eastern, 0.016%; no homozygotes.

Submission:

PreventionGenetics, part of Exact Sciences
Classification: Likely benign for B3GNT2-related condition. Last evaluated: 2019-09-04. Review status: no assertion criteria provided. Collection method: clinical testing. Allele origin: germline.
Comment: This variant is classified as likely benign based on ACMG/AMP sequence variant interpretation guidelines (Richards et al. 2015 PMID: 25741868, with internal and published modifications).